The following is an entry in ClinVar:

NM_000051.4(ATM):c.6300C>G (p.Tyr2100Ter)

Genes: ATM (ATM serine/threonine kinase; plus strand), C11orf65 (chromosome 11 open reading frame 65; minus strand). Cytogenetic location: 11q22.3.
Variant type: single nucleotide variant.
Coding change: c.6300C>G on transcript NM_000051.4 (MANE Select); coding-DNA position 6300, C replaced by G.
Protein change: p.Tyr2100Ter; replaces tyrosine 2100 with a stop codon.
Molecular consequence: nonsense. On other transcripts: intron variant (2).
Genome position (GRCh38, 1-based): chr11:108,317,474, C>G. VCF-style: chr11-108317474-C-G. GRCh37 (hg19) VCF-style: chr11-108188201-C-G.
Other names: c.6300C>G, p.Tyr2100Ter (NM_001351834.2); c.641-8403G>C (NM_001330368.2); c.*39-8403G>C (NM_001351110.2); short protein forms Y2100*.
Identifiers: ClinVar variation 826309 (VCV000826309.19), dbSNP rs1591789955, ClinGen allele CA382552102.

ClinVar aggregate classification (germline): Pathogenic/Likely pathogenic. Review status: criteria provided, multiple submitters, no conflicts (2 of 4 stars). 6 submissions from 6 submitters: Pathogenic (5); Likely pathogenic (1). Last evaluated 2025-04-27.

Conditions:
ATM-related disorder. Also called: ATM-related disorders; ATM-related condition.
Hereditary cancer-predisposing syndrome. Also called: Tumor predisposition; Neoplastic Syndromes, Hereditary; Hereditary Cancer Syndrome; Hereditary neoplastic syndrome. Identifiers: Orphanet 140162, MedGen C0027672, MeSH D009386, MONDO:0015356.
Familial cancer of breast. Also called: Hereditary breast cancer; BREAST CANCER, FAMILIAL; hereditary breast carcinoma. Identifiers: Orphanet 227535, MedGen C0346153, MONDO:0016419, OMIM 114480. Disease mechanism: loss of function.
Ataxia-telangiectasia syndrome (AT). Also called: ATAXIA-TELANGIECTASIA, COMPLEMENTATION GROUP A; ATAXIA-TELANGIECTASIA, FRESNO VARIANT; Ataxia-telangiectasia; Ataxia-telangiectasia, complementation group D; AT, COMPLEMENTATION GROUP C; Ataxia-telangiectasia, complementation group E. Identifiers: Orphanet 100, MedGen C0004135, MONDO:0008840, OMIM 208900.

gnomAD v4.1: 1 of 1,611,720 alleles (0.000062%); highest among the groups gnomAD compares: Non-Finnish European, 0.000085%; no homozygotes.

Submissions (6):

Labcorp Genetics (formerly Invitae), Labcorp
Classification: Pathogenic for Ataxia-telangiectasia syndrome. Last evaluated: 2025-04-27. Review status: criteria provided, single submitter. Criteria: Invitae Variant Classification Sherloc (09022015). Collection method: clinical testing. Allele origin: germline.
Comment: This sequence change creates a premature translational stop signal (p.Tyr2100*) in the ATM gene. It is expected to result in an absent or disrupted protein product. Loss-of-function variants in ATM are known to be pathogenic (PMID: 23807571, 25614872). This variant is not present in population databases (gnomAD no frequency). This variant has not been reported in the literature in individuals affected with ATM-related conditions. ClinVar contains an entry for this variant (Variation ID: 826309). For these reasons, this variant has been classified as Pathogenic.

Women's Health and Genetics/Laboratory Corporation of America, LabCorp
Classification: Pathogenic for Ataxia-telangiectasia syndrome. Last evaluated: 2024-09-03. Review status: criteria provided, single submitter. Criteria: LabCorp Variant Classification Summary - May 2015. Collection method: clinical testing. Allele origin: germline.
Comment: Variant summary: ATM c.6300C>G (p.Tyr2100X) results in a premature termination codon, predicted to cause a truncation of the encoded protein or absence of the protein due to nonsense mediated decay, which are commonly known mechanisms for disease. The variant was absent in 251414 control chromosomes. c.6300C>G has been reported in the literature in individuals affected with breast cancer (e.g., Turchiano_2023). To our knowledge, no experimental evidence demonstrating an impact on protein function has been reported. The following publication has been ascertained in the context of this evaluation (PMID: 37628581). ClinVar contains an entry for this variant (Variation ID: 826309). Based on the evidence outlined above, the variant was classified as pathogenic.

Blueprint Genetics
Classification: Pathogenic for ATM-related disorders. Last evaluated: 2024-06-05. Review status: criteria provided, single submitter. Criteria: ACMG Guidelines, 2015. Collection method: clinical testing. Allele origin: germline. Affected: yes. Observed: 1 variant allele.

Color Diagnostics, LLC DBA Color Health
Classification: Pathogenic for Hereditary cancer-predisposing syndrome. Last evaluated: 2020-01-15. Review status: criteria provided, single submitter. Criteria: ACMG Guidelines, 2015. Collection method: clinical testing. Allele origin: germline.
Comment: This variant changes 1 nucleotide in exon 43 of the ATM gene, creating a premature translation stop signal. This variant is expected to result in an absent or non-functional protein product. This variant has not been identified in the general population by the Genome Aggregation Database (gnomAD). Loss of ATM function is a known mechanism of disease. Based on the available evidence, this variant is classified as Pathogenic.

Ambry Genetics
Classification: Pathogenic for Hereditary cancer-predisposing syndrome. Last evaluated: 2019-05-31. Review status: criteria provided, single submitter. Criteria: Ambry Variant Classification Scheme 2023. Collection method: clinical testing. Allele origin: germline.
Comment: The p.Y2100* pathogenic mutation (also known as c.6300C>G), located in coding exon 42 of the ATM gene, results from a C to G substitution at nucleotide position 6300. This changes the amino acid from a tyrosine to a stop codon within coding exon 42. This alteration is expected to result in loss of function by premature protein truncation or nonsense-mediated mRNA decay. As such, this alteration is interpreted as a disease-causing mutation.

Juno Genomics, Hangzhou Juno Genomics, Inc
Classification: Likely pathogenic for Familial cancer of breast; Ataxia-telangiectasia syndrome. Review status: criteria provided, single submitter. Criteria: ACMG Guidelines, 2015. Collection method: clinical testing. Allele origin: germline.
Comment: Absent from controls (or at extremely low frequency if recessive) in Genome Aggregation Database.;Null variant in a gene where loss of function (LOF) is a known mechanism of disease.

Literature cited by the submitters: PubMed 23807571 (cited by Labcorp Genetics (formerly Invitae), Labcorp); PubMed 25614872 (cited by Labcorp Genetics (formerly Invitae), Labcorp); PubMed 37628581 (cited by Women's Health and Genetics/Laboratory Corporation of America, LabCorp).